The following is an entry in ClinVar:

ClinVar aggregate classification (germline): Conflicting classifications of pathogenicity. Review status: criteria provided, conflicting classifications (1 of 4 stars). 3 submissions from 3 submitters: Uncertain significance (2); Likely benign (1). Last evaluated 2025-10-06.

Conditions:
Inborn genetic diseases. Identifiers: MedGen C0950123, MeSH D030342.

Allele frequency attached by ClinVar (database versions not stated): ExAC 0.00008; gnomAD exomes 0.00008; gnomAD 0.00019 and 0.00021; ESP Exome Variant Server 0.00023; TOPMed 0.00026; 1000 Genomes Project 0.00060; 1000 Genomes Project 30x 0.00078.
gnomAD v4.1: 92 of 1,614,112 alleles (0.0057%); highest among the groups gnomAD compares: African/African-American, 0.076%; no homozygotes.

Submissions (3):

Women's Health and Genetics/Laboratory Corporation of America, LabCorp
Classification: Uncertain significance. Last evaluated: 2025-10-06. Review status: criteria provided, single submitter. Criteria: LabCorp Variant Classification Summary - May 2015. Collection method: clinical testing. Allele origin: germline.
Comment: Variant summary: TUBGCP6 c.2207G>A (p.Arg736His) results in a non-conservative amino acid change in the encoded protein sequence. Algorithms developed to predict the effect of missense changes on protein structure and function are either unavailable or do not agree on the potential impact of this missense change. The variant allele was found at a frequency of 8e-05 in 251334 control chromosomes. This frequency is not significantly higher than estimated for disease-causing variants in TUBGCP6, allowing no conclusion about variant significance. To our knowledge, no occurrence of c.2207G>A in individuals affected with TUBGCP6-related conditions and no experimental evidence demonstrating its impact on protein function have been reported. ClinVar contains an entry for this variant (Variation ID: 937353). Based on the evidence outlined above, the variant was classified as uncertain significance.

Ambry Genetics
Classification: Likely benign for Inborn genetic diseases. Last evaluated: 2025-08-04. Review status: criteria provided, single submitter. Criteria: Ambry Variant Classification Scheme 2023. Collection method: clinical testing. Allele origin: germline.

Labcorp Genetics (formerly Invitae), Labcorp
Classification: Uncertain significance. Last evaluated: 2022-09-06. Review status: criteria provided, single submitter. Criteria: Invitae Variant Classification Sherloc (09022015). Collection method: clinical testing. Allele origin: germline.
Comment: This sequence change replaces arginine, which is basic and polar, with histidine, which is basic and polar, at codon 736 of the TUBGCP6 protein (p.Arg736His). This variant is present in population databases (rs192806961, gnomAD 0.08%). This variant has not been reported in the literature in individuals affected with TUBGCP6-related conditions. ClinVar contains an entry for this variant (Variation ID: 937353). Algorithms developed to predict the effect of missense changes on protein structure and function are either unavailable or do not agree on the potential impact of this missense change (SIFT: "Deleterious"; PolyPhen-2: "Benign"; Align-GVGD: "Class C0"). In summary, the available evidence is currently insufficient to determine the role of this variant in disease. Therefore, it has been classified as a Variant of Uncertain Significance.

NM_020461.4(TUBGCP6):c.2207G>A (p.Arg736His)

Gene: TUBGCP6 (tubulin gamma complex component 6; minus strand). Cytogenetic location: 22q13.33.
Variant type: single nucleotide variant.
Coding change: c.2207G>A on transcript NM_020461.4 (MANE Select); coding-DNA position 2207, G replaced by A.
Protein change: p.Arg736His; replaces arginine 736 with histidine.
Molecular consequence: missense variant.
Genome position (GRCh38, 1-based): chr22:50,224,204, C>T on the plus strand (G>A on the coding strand, the complement: TUBGCP6 is on the minus strand). VCF-style: chr22-50224204-C-T. GRCh37 (hg19) VCF-style: chr22-50662633-C-T.
Other names: short protein forms R736H.
Identifiers: ClinVar variation 937353 (VCV000937353.7), dbSNP rs192806961, ClinGen allele CA10308312.